The following is an entry in ClinVar:

ClinVar aggregate classification (germline): Uncertain significance (1 of 4 stars; one submission).

Submission:

Ambry Genetics
Classification: Uncertain significance. Last evaluated: 2025-04-11. Review status: criteria provided, single submitter. Criteria: Ambry Variant Classification Scheme 2023. Collection method: clinical testing. Allele origin: germline.
Comment: The p.V809A variant (also known as c.2426T>C), located in coding exon 13 of the GEN1 gene, results from a T to C substitution at nucleotide position 2426. The valine at codon 809 is replaced by alanine, an amino acid with similar properties. This amino acid position is conserved. In addition, this alteration is predicted to be tolerated by in silico analysis. Based on the available evidence, the clinical significance of this variant remains unclear.

NM_001130009.3(GEN1):c.2426T>C (p.Val809Ala)

Gene: GEN1 (GEN1 Holliday junction 5' flap endonuclease; plus strand). Cytogenetic location: 2p24.2.
Variant type: single nucleotide variant.
Coding change: c.2426T>C on transcript NM_001130009.3 (MANE Select); coding-DNA position 2426, T replaced by C.
Protein change: p.Val809Ala; replaces valine 809 with alanine.
Molecular consequence: missense variant.
Genome position (GRCh38, 1-based): chr2:17,781,638, T>C. VCF-style: chr2-17781638-T-C. GRCh37 (hg19) VCF-style: chr2-17962905-T-C.
Other names: c.2426T>C, p.Val809Ala (NM_182625.5); short protein forms V809A.
Identifiers: ClinVar variation 4029219 (VCV004029219.1).
Genomic context (GRCh38, chr2:17,781,638, plus strand): 5'-TTTTAATGAAGAAGAGTGTTTGCCTTGACAGACATTCCTCTGATGAACAAAGTGCCCCAG[T>C]GTTTGGGAAAGCTAAGTACACAACTCAAAGAATGAAGCACAGTTCTCAAAAGCATAATTC-3'
Protein context (NP_001123481.3, residues 799-819): RHSSDEQSAP[Val809Ala]FGKAKYTTQR